The following is an entry in ClinVar:

NM_031935.3(HMCN1):c.7042C>T (p.Leu2348Phe)

Gene: HMCN1 (hemicentin 1; plus strand). Cytogenetic location: 1q31.1.
Variant type: single nucleotide variant.
Coding change: c.7042C>T on transcript NM_031935.3 (MANE Select); coding-DNA position 7042, C replaced by T.
Protein change: p.Leu2348Phe; replaces leucine 2348 with phenylalanine.
Molecular consequence: missense variant.
Genome position (GRCh38, 1-based): chr1:186,055,572, C>T. VCF-style: chr1-186055572-C-T. GRCh37 (hg19) VCF-style: chr1-186024704-C-T.
Other names: short protein forms L2348F.
Identifiers: ClinVar variation 2976695 (VCV002976695.3), dbSNP rs1657260036, ClinGen allele CA343902160.

ClinVar aggregate classification (germline): Uncertain significance (1 of 4 stars; one submission).

Allele frequency attached by ClinVar (database versions not stated): gnomAD exomes below 0.00001; TOPMed below 0.00001.
gnomAD v4.1: 1 of 1,612,842 alleles (0.000062%); highest among the groups gnomAD compares: Non-Finnish European, 0.000085%; no homozygotes.

Submission:

Labcorp Genetics (formerly Invitae), Labcorp
Classification: Uncertain significance. Last evaluated: 2024-07-23. Review status: criteria provided, single submitter. Criteria: Invitae Variant Classification Sherloc (09022015). Collection method: clinical testing. Allele origin: germline.
Comment: This sequence change replaces leucine, which is neutral and non-polar, with phenylalanine, which is neutral and non-polar, at codon 2348 of the HMCN1 protein (p.Leu2348Phe). This variant is not present in population databases (gnomAD no frequency). This variant has not been reported in the literature in individuals affected with HMCN1-related conditions. An algorithm developed to predict the effect of missense changes on protein structure and function (PolyPhen-2) suggests that this variant is likely to be disruptive. In summary, the available evidence is currently insufficient to determine the role of this variant in disease. Therefore, it has been classified as a Variant of Uncertain Significance.